The following is an entry in ClinVar:

NM_001323289.2(CDKL5):c.99+1G>C

Gene: CDKL5 (cyclin dependent kinase like 5; plus strand). Cytogenetic location: Xp22.13.
Variant type: single nucleotide variant.
Coding change: c.99+1G>C on transcript NM_001323289.2 (MANE Select); the canonical splice donor site of the intron after coding-DNA position 99, G replaced by C.
Molecular consequence: splice donor variant.
Genome position (GRCh38, 1-based): chrX:18,510,855, G>C. VCF-style: chrX-18510855-G-C. GRCh37 (hg19) VCF-style: chrX-18528975-G-C.
Other names: c.99+1G>C (NM_001037343.2, NM_003159.3).
Identifiers: ClinVar variation 1513863 (VCV001513863.6), dbSNP rs267608421, ClinGen allele CA412489916.

ClinVar aggregate classification (germline): Likely pathogenic (1 of 4 stars; one submission).

Conditions:
Angelman syndrome-like. Identifiers: MedGen CN128785.
Developmental and epileptic encephalopathy, 2 (DEE2). Also called: INFANTILE SPASM SYNDROME, X-LINKED 2; CDKL5 deficiency disorder. Identifiers: Orphanet 1934, Orphanet 3451, Orphanet 505652, MedGen C4750718, MONDO:0010396, OMIM 300672.

Submission:

Labcorp Genetics (formerly Invitae), Labcorp
Classification: Likely pathogenic for Developmental and epileptic encephalopathy, 2; Angelman syndrome-like. Last evaluated: 2021-10-20. Review status: criteria provided, single submitter. Criteria: Invitae Variant Classification Sherloc (09022015). Collection method: clinical testing. Allele origin: germline.
Comment: This sequence change affects a donor splice site in intron 3 of the CDKL5 gene. It is expected to disrupt RNA splicing. Variants that disrupt the donor or acceptor splice site typically lead to a loss of protein function (PMID: 16199547), and loss-of-function variants in CDKL5 are known to be pathogenic (PMID: 22872100). This variant is not present in population databases (gnomAD no frequency). In summary, the currently available evidence indicates that the variant is pathogenic, but additional data are needed to prove that conclusively. Therefore, this variant has been classified as Likely Pathogenic. Algorithms developed to predict the effect of sequence changes on RNA splicing suggest that this variant may disrupt the consensus splice site. Disruption of this splice site has been observed in individual(s) with CDKL5-related conditions (PMID: 18266744).

Literature cited by the submitters: PubMed 16199547; PubMed 22872100; PubMed 18266744.